The following is an entry in ClinVar:

ClinVar aggregate classification (germline): Uncertain significance (1 of 4 stars; one submission).

Submission:

Ambry Genetics
Classification: Uncertain significance. Last evaluated: 2026-04-20. Review status: criteria provided, single submitter. Criteria: Ambry Variant Classification Scheme 2023. Collection method: clinical testing. Allele origin: germline.
Comment: The p.V254I variant (also known as c.760G>A), located in coding exon 6 of the GEN1 gene, results from a G to A substitution at nucleotide position 760. The valine at codon 254 is replaced by isoleucine, an amino acid with highly similar properties. This amino acid position is conserved. In addition, this alteration is predicted to be tolerated by in silico analysis. Based on the available evidence, the clinical significance of this variant remains unclear.

NM_001130009.3(GEN1):c.760G>A (p.Val254Ile)

Gene: GEN1 (GEN1 structure-specific endonuclease; plus strand). Cytogenetic location: 2p24.2.
Variant type: single nucleotide variant.
Coding change: c.760G>A on transcript NM_001130009.3 (MANE Select); coding-DNA position 760, G replaced by A.
Protein change: p.Val254Ile; replaces valine 254 with isoleucine.
Molecular consequence: missense variant.
Genome position (GRCh38, 1-based): chr2:17,771,245, G>A. VCF-style: chr2-17771245-G-A. GRCh37 (hg19) VCF-style: chr2-17952512-G-A.
Other names: c.760G>A, p.Val254Ile (NM_182625.5); short protein forms V254I.
Identifiers: ClinVar variation 4857960 (VCV004857960.1).
Genomic context (GRCh38, chr2:17,771,245, plus strand): 5'-TTCTATTAAAGGTTTAATCGGTGGAATGAAACATCTTGTAACTCTAGTCCACAACTGCTA[G>A]TCACTAAAAAACTGGCTCATTGTTCCGTATGTTCCCATCCAGGTAAGGAGACATAGGGAA-3'
Protein context (NP_001123481.3, residues 244-264): TSCNSSPQLL[Val254Ile]TKKLAHCSVC